The following is an entry in ClinVar:

NM_002291.3(LAMB1):c.3378C>A (p.Asp1126Glu)

Gene: LAMB1 (laminin subunit beta 1; minus strand). Cytogenetic location: 7q31.1.
Variant type: single nucleotide variant.
Coding change: c.3378C>A on transcript NM_002291.3 (MANE Select); coding-DNA position 3378, C replaced by A.
Protein change: p.Asp1126Glu; replaces aspartic acid 1126 with glutamic acid.
Molecular consequence: missense variant.
Genome position (GRCh38, 1-based): chr7:107,951,239, G>T on the plus strand (C>A on the coding strand, the complement: LAMB1 is on the minus strand). VCF-style: chr7-107951239-G-T. GRCh37 (hg19) VCF-style: chr7-107591684-G-T.
Other names: short protein forms D1126E.
Identifiers: ClinVar variation 3616446 (VCV003616446.2).

ClinVar aggregate classification (germline): Uncertain significance (1 of 4 stars; one submission).

Submission:

Labcorp Genetics (formerly Invitae), Labcorp
Classification: Uncertain significance. Last evaluated: 2025-01-11. Review status: criteria provided, single submitter. Criteria: Invitae Variant Classification Sherloc (09022015). Collection method: clinical testing. Allele origin: germline.
Comment: This sequence change replaces aspartic acid, which is acidic and polar, with glutamic acid, which is acidic and polar, at codon 1126 of the LAMB1 protein (p.Asp1126Glu). This variant is present in population databases (rs759130532, gnomAD 0.009%). This variant has not been reported in the literature in individuals affected with LAMB1-related conditions. An algorithm developed to predict the effect of missense changes on protein structure and function outputs the following: PolyPhen-2: "Benign". The glutamic acid amino acid residue is found in multiple mammalian species, which suggests that this missense change does not adversely affect protein function. In summary, the available evidence is currently insufficient to determine the role of this variant in disease. Therefore, it has been classified as a Variant of Uncertain Significance.